The following is an entry in ClinVar:

NM_004006.3(DMD):c.9810TAA[4] (p.Asn3272dup)

Gene: DMD (dystrophin; minus strand). Cytogenetic location: Xp21.2.
Variant type: Microsatellite.
Coding change: c.9810TAA[4] on transcript NM_004006.3 (MANE Select); four copies in a row of the 3-base unit TAA starting at c.9810; the reference has three copies in a row; one copy, 3 bases duplicated.
Protein change: p.Asn3272dup; duplicates asparagine 3272.
Molecular consequence: inframe insertion.
Genome position (GRCh38, 1-based): chrX:31,182,894-31,182,896, TTA duplicated on the plus strand (TAA on the coding strand, the reverse complement: DMD is on the minus strand); duplicating any 3 consecutive bases within chrX:31,182,894-31,182,902 gives the same sequence; the position shown is the placement nearest the transcript's 3' end. VCF-style (leftmost placement, unchanged base first): chrX-31182893-C-CTTA. GRCh37 (hg19) VCF-style: chrX-31201010-C-CTTA.
Other names: c.9786TAA[4], p.Asn3264dup (NM_000109.4); c.9798TAA[4], p.Asn3268dup (NM_004009.3); c.9441TAA[4], p.Asn3149dup (NM_004010.3); c.5787TAA[4], p.Asn1931dup (NM_004011.4); c.5778TAA[4], p.Asn1928dup (NM_004012.4); c.2430TAA[4], p.Asn812dup (NM_004013.3, NM_004020.4, NM_004021.3 and 2 more transcripts); c.1623TAA[4], p.Asn543dup (NM_004014.3); c.606TAA[4], p.Asn204dup (NM_004015.3, NM_004016.3, NM_004017.3 and 2 more transcripts).
Identifiers: ClinVar variation 1400434 (VCV001400434.8), dbSNP rs2148335593, ClinGen allele CA2580616922.
Genomic context (GRCh38, chrX:31,182,893, plus strand): 5'-CACCATGGACTGGGGTTCCAGTCTCATCCAGTCTAGGAAGAGGGCCGCTTCGATCTCTGG[C>CTTA]TTATTATTAGCCTGCAAAGACAGGAGGGAGAGAGAAGGAGGGCAAAAGGATGAAAGGAAA-3'

ClinVar aggregate classification (germline): Uncertain significance (1 of 4 stars; one submission).

Conditions:
Duchenne muscular dystrophy (DMD). Also called: MUSCULAR DYSTROPHY, PSEUDOHYPERTROPHIC PROGRESSIVE, DUCHENNE TYPE; Duchenne Muscular Dystrophy (DMD). Identifiers: Orphanet 98896, MedGen C0013264, MONDO:0010679, OMIM 310200.

Submission:

Labcorp Genetics (formerly Invitae), Labcorp
Classification: Uncertain significance for Duchenne muscular dystrophy. Last evaluated: 2021-02-21. Review status: criteria provided, single submitter. Criteria: Invitae Variant Classification Sherloc (09022015). Collection method: clinical testing. Allele origin: germline.
Comment: This variant, c.9816_9818dup, results in the insertion of 1 amino acid(s) to the DMD protein (p.Asn3272dup), but otherwise preserves the integrity of the reading frame. This variant is not present in population databases (ExAC no frequency). This variant has not been reported in the literature in individuals with DMD-related conditions. Experimental studies and prediction algorithms are not available or were not evaluated, and the functional significance of this variant is currently unknown. In summary, the available evidence is currently insufficient to determine the role of this variant in disease. Therefore, it has been classified as a Variant of Uncertain Significance.